The following is an entry in ClinVar:

NM_032043.3(BRIP1):c.3620A>T (p.Asp1207Val)

Gene: BRIP1 (BRCA1 interacting DNA helicase 1; minus strand). Cytogenetic location: 17q23.2.
Variant type: single nucleotide variant.
Coding change: c.3620A>T on transcript NM_032043.3 (MANE Select); coding-DNA position 3620, A replaced by T.
Protein change: p.Asp1207Val; replaces aspartic acid 1207 with valine.
Molecular consequence: missense variant.
Genome position (GRCh38, 1-based): chr17:61,683,426, T>A on the plus strand (A>T on the coding strand, the complement: BRIP1 is on the minus strand). VCF-style: chr17-61683426-T-A. GRCh37 (hg19) VCF-style: chr17-59760787-T-A.
Other names: c.3620A>T (NM_032043.2); short protein forms D1207V.
Identifiers: ClinVar variation 1008722 (VCV001008722.12), dbSNP rs139539831, ClinGen allele CA292267135.

ClinVar aggregate classification (germline): Uncertain significance. Review status: criteria provided, multiple submitters, no conflicts (2 of 4 stars). 3 submissions from 3 submitters: Uncertain significance (3). Last evaluated 2024-12-23.

Conditions:
Fanconi anemia complementation group J. Also called: BRIP1-Related Fanconi Anemia. Identifiers: Orphanet 84, MedGen C1836860, MONDO:0012187, OMIM 609054.
Familial cancer of breast. Also called: hereditary breast carcinoma; BREAST CANCER, FAMILIAL; Hereditary breast cancer. Identifiers: Orphanet 227535, MedGen C0346153, MONDO:0016419, OMIM 114480. Disease mechanism: loss of function.
Hereditary cancer-predisposing syndrome. Also called: Hereditary Cancer Syndrome; Neoplastic Syndromes, Hereditary; Tumor predisposition; Hereditary neoplastic syndrome. Identifiers: Orphanet 140162, MedGen C0027672, MeSH D009386, MONDO:0015356.

Allele frequency attached by ClinVar (database versions not stated): TOPMed below 0.00001; gnomAD 0.00001; ESP Exome Variant Server 0.00008; gnomAD exomes below 0.00001.
gnomAD v4.1: 2 of 1,613,584 alleles (0.00012%); highest among the groups gnomAD compares: Non-Finnish European, 0.00017%; no homozygotes.

Submissions (3):

GeneDx
Classification: Uncertain significance. Last evaluated: 2024-12-23. Review status: criteria provided, single submitter. Criteria: GeneDx Variant Classification Process June 2021. Collection method: clinical testing. Allele origin: germline.
Comment: Not observed at significant frequency in large population cohorts (gnomAD); In silico analysis indicates that this missense variant does not alter protein structure/function; Has not been previously published as pathogenic or benign to our knowledge

Ambry Genetics
Classification: Uncertain significance for Hereditary cancer-predisposing syndrome. Last evaluated: 2024-11-01. Review status: criteria provided, single submitter. Criteria: Ambry Variant Classification Scheme 2023. Collection method: clinical testing. Allele origin: germline.
Comment: The p.D1207V variant (also known as c.3620A>T), located in coding exon 19 of the BRIP1 gene, results from an A to T substitution at nucleotide position 3620. The aspartic acid at codon 1207 is replaced by valine, an amino acid with highly dissimilar properties. This amino acid position is conserved. In addition, this alteration is predicted to be tolerated by in silico analysis. Based on the available evidence, the clinical significance of this variant remains unclear.

Labcorp Genetics (formerly Invitae), Labcorp
Classification: Uncertain significance for Familial cancer of breast; Fanconi anemia complementation group J. Last evaluated: 2024-07-17. Review status: criteria provided, single submitter. Criteria: Invitae Variant Classification Sherloc (09022015). Collection method: clinical testing. Allele origin: germline.
Comment: This sequence change replaces aspartic acid, which is acidic and polar, with valine, which is neutral and non-polar, at codon 1207 of the BRIP1 protein (p.Asp1207Val). This variant is not present in population databases (gnomAD no frequency). This variant has not been reported in the literature in individuals affected with BRIP1-related conditions. ClinVar contains an entry for this variant (Variation ID: 1008722). An algorithm developed to predict the effect of missense changes on protein structure and function (PolyPhen-2) suggests that this variant is likely to be tolerated. In summary, the available evidence is currently insufficient to determine the role of this variant in disease. Therefore, it has been classified as a Variant of Uncertain Significance.